The following is an entry in ClinVar:

NM_006206.6(PDGFRA):c.1127G>A (p.Arg376Gln)

Gene: PDGFRA (platelet derived growth factor receptor alpha; plus strand). Cytogenetic location: 4q12.
Variant type: single nucleotide variant.
Coding change: c.1127G>A on transcript NM_006206.6 (MANE Select); coding-DNA position 1127, G replaced by A.
Protein change: p.Arg376Gln; replaces arginine 376 with glutamine.
Molecular consequence: missense variant.
Genome position (GRCh38, 1-based): chr4:54,270,638, G>A. VCF-style: chr4-54270638-G-A. GRCh37 (hg19) VCF-style: chr4-55136805-G-A.
Other names: c.1127G>A (NM_006206.5); c.1127G>A, p.Arg376Gln (NM_001347827.2, NM_001347829.2); c.1202G>A, p.Arg401Gln (NM_001347828.2); c.1166G>A, p.Arg389Gln (NM_001347830.2); short protein forms R376Q, R401Q, R389Q.
Identifiers: ClinVar variation 414512 (VCV000414512.20), dbSNP rs41279521, ClinGen allele CA2922480.

ClinVar aggregate classification (germline): Likely benign. Review status: criteria provided, multiple submitters, no conflicts (2 of 4 stars). 5 submissions from 5 submitters: Likely benign (4). 1 of the submissions does not count toward it. Last evaluated 2026-06-12.

Conditions:
Polyps, multiple and recurrent inflammatory fibroid, gastrointestinal. Identifiers: MedGen C5193005, MONDO:0008285, OMIM 175510.
PDGFRA-related disorder. Also called: PDGFRA-related condition.
Hereditary cancer-predisposing syndrome. Also called: Neoplastic Syndromes, Hereditary; Tumor predisposition; Hereditary Cancer Syndrome; Hereditary neoplastic syndrome. Identifiers: Orphanet 140162, MedGen C0027672, MeSH D009386, MONDO:0015356.
Gastrointestinal stromal tumor. Also called: Gastrointestinal stroma tumor; Gastrointestinal stromal tumor, somatic. Identifiers: Orphanet 44890, MedGen C0238198, MeSH D046152, MONDO:0011719, OMIM 606764, HP:0100723.

Allele frequency attached by ClinVar (database versions not stated): gnomAD exomes 0.00010 and 0.00016; ExAC 0.00019; gnomAD 0.00044; TOPMed 0.00044; 1000 Genomes Project 0.00060; ESP Exome Variant Server 0.00069; 1000 Genomes Project 30x 0.00094.
gnomAD v4.1: 211 of 1,594,012 alleles (0.013%); highest among the groups gnomAD compares: African/African-American, 0.13%; no homozygotes.

Submissions (5):

Myriad Genetics, Inc.
Classification: Likely benign for Polyps, multiple and recurrent inflammatory fibroid, gastrointestinal. Last evaluated: 2026-06-12. Review status: criteria provided, single submitter. Criteria: Myriad Autosomal Dominant, Autosomal Recessive and X-Linked Classification Criteria (2023). Collection method: clinical testing. Allele origin: unknown.
Comment: This variant is considered likely benign. This variant has been observed at a population frequency that is significantly greater than expected given the associated disease prevalence and penetrance.

Labcorp Genetics (formerly Invitae), Labcorp
Classification: Likely benign for Gastrointestinal stromal tumor. Last evaluated: 2026-02-04. Review status: criteria provided, single submitter. Criteria: Invitae Variant Classification Sherloc (09022015). Collection method: clinical testing. Allele origin: germline.

Blueprint Genetics
Classification: Likely benign. Last evaluated: 2023-02-09. Review status: criteria provided, single submitter. Criteria: ACMG Guidelines, 2015. Collection method: clinical testing. Allele origin: germline.

Ambry Genetics
Classification: Likely benign for Hereditary cancer-predisposing syndrome. Last evaluated: 2019-06-03. Review status: criteria provided, single submitter. Criteria: Ambry Variant Classification Scheme 2023. Collection method: clinical testing. Allele origin: germline.

PreventionGenetics, part of Exact Sciences
Classification: Likely benign for PDGFRA-related condition. Last evaluated: 2022-08-10. Review status: no assertion criteria provided. Collection method: clinical testing. Allele origin: germline. Not counted in ClinVar's aggregate classification.
Comment: This variant is classified as likely benign based on ACMG/AMP sequence variant interpretation guidelines (Richards et al. 2015 PMID: 25741868, with internal and published modifications).